The following is an entry in ClinVar:

NM_004006.3(DMD):c.1855A>T (p.Lys619Ter)

Gene: DMD (dystrophin; minus strand). Cytogenetic location: Xp21.1.
Variant type: single nucleotide variant.
Coding change: c.1855A>T on transcript NM_004006.3 (MANE Select); coding-DNA position 1855, A replaced by T.
Protein change: p.Lys619Ter; replaces lysine 619 with a stop codon.
Molecular consequence: nonsense.
Genome position (GRCh38, 1-based): chrX:32,565,839, T>A on the plus strand (A>T on the coding strand, the complement: DMD is on the minus strand). VCF-style: chrX-32565839-T-A. GRCh37 (hg19) VCF-style: chrX-32583956-T-A.
Other names: c.1831A>T, p.Lys611Ter (NM_000109.4); c.1843A>T, p.Lys615Ter (NM_004009.3); c.1486A>T, p.Lys496Ter (NM_004010.3); short protein forms K611*, K619*, K496*, K615*.
Identifiers: ClinVar variation 965439 (VCV000965439.8), dbSNP rs2051636517, ClinGen allele CA412672890.

ClinVar aggregate classification (germline): Pathogenic (1 of 4 stars; one submission).

Conditions:
Duchenne muscular dystrophy (DMD). Also called: MUSCULAR DYSTROPHY, PSEUDOHYPERTROPHIC PROGRESSIVE, DUCHENNE TYPE; Duchenne Muscular Dystrophy (DMD). Identifiers: Orphanet 98896, MedGen C0013264, MONDO:0010679, OMIM 310200.

Submission:

Labcorp Genetics (formerly Invitae), Labcorp
Classification: Pathogenic for Duchenne muscular dystrophy. Last evaluated: 2019-10-14. Review status: criteria provided, single submitter. Criteria: Invitae Variant Classification Sherloc (09022015). Collection method: clinical testing. Allele origin: germline.
Comment: For these reasons, this variant has been classified as Pathogenic. Loss-of-function variants in DMD are known to be pathogenic (PMID: 16770791, 25007885). This variant has not been reported in the literature in individuals with DMD-related conditions. This variant is not present in population databases (ExAC no frequency). This sequence change creates a premature translational stop signal (p.Lys619*) in the DMD gene. It is expected to result in an absent or disrupted protein product.

Literature cited by the submitters: PubMed 16770791; PubMed 25007885.